The following is an entry in ClinVar:

ClinVar aggregate classification (germline): Uncertain significance. Review status: criteria provided, single submitter (1 of 4 stars). 2 submissions from 2 submitters: Uncertain significance (1). 1 of the submissions does not count toward it. Last evaluated 2024-08-05.

Conditions:
Cystinuria (CSNU). Also called: Cystinuria, non-type I; CYSTINURIA, TYPE I; CYSTINURIA, TYPE II; CYSTINURIA, TYPE III. Identifiers: Orphanet 214, MedGen C0010691, MONDO:0009067, OMIM 220100, HP:0003131.

gnomAD v4.1: 1 of 1,614,164 alleles (0.000062%); highest among the groups gnomAD compares: Non-Finnish European, 0.000085%; no homozygotes.

Submissions (2):

MVZ Medizinische Genetik Mainz
Classification: Uncertain significance for Cystinuria. Last evaluated: 2024-08-05. Review status: criteria provided, single submitter. Criteria: UK Practice Guidelines For Variant Classification V4 01 2020. Collection method: clinical testing. Allele origin: germline. Inheritance: Autosomal dominant inheritance. Affected: yes. Observed: 1 variant allele.
Comment: ACMG Criteria: PP3_MOD,PS4_SUP,PM2_SUP,PP4

Chinese Inherited Urolithiasis Consortium, The Affiliated Yantai Yuhuangding Hospital of Qingdao University
Classification: Likely pathogenic for Cystinuria. Last evaluated: 2024-08-26. Review status: no assertion criteria provided. Collection method: clinical testing. Allele origin: maternal. Affected: yes. Observed: 1 variant allele. Not counted in ClinVar's aggregate classification.

NM_014270.5(SLC7A9):c.1340G>A (p.Gly447Asp)

Gene: SLC7A9 (solute carrier family 7 member 9; minus strand). Cytogenetic location: 19q13.11.
Variant type: single nucleotide variant.
Coding change: c.1340G>A on transcript NM_014270.5 (MANE Select); coding-DNA position 1340, G replaced by A.
Protein change: p.Gly447Asp; replaces glycine 447 with aspartic acid.
Molecular consequence: missense variant.
Genome position (GRCh38, 1-based): chr19:32,833,208, C>T on the plus strand (G>A on the coding strand, the complement: SLC7A9 is on the minus strand). VCF-style: chr19-32833208-C-T. GRCh37 (hg19) VCF-style: chr19-33324114-C-T.
Other names: c.1340G>A, p.Gly447Asp (NM_001126335.2, NM_001243036.2); short protein forms G447D.
Identifiers: ClinVar variation 3359172 (VCV003359172.3).